The following is an entry in ClinVar:

NM_002076.4(GNS):c.1466C>T (p.Thr489Ile)

Gene: GNS (glucosamine (N-acetyl)-6-sulfatase; minus strand). Cytogenetic location: 12q14.3.
Variant type: single nucleotide variant.
Coding change: c.1466C>T on transcript NM_002076.4 (MANE Select); coding-DNA position 1466, C replaced by T.
Protein change: p.Thr489Ile; replaces threonine 489 with isoleucine.
Molecular consequence: missense variant.
Genome position (GRCh38, 1-based): chr12:64,720,136, G>A on the plus strand (C>T on the coding strand, the complement: GNS is on the minus strand). VCF-style: chr12-64720136-G-A. GRCh37 (hg19) VCF-style: chr12-65113916-G-A.
Other names: short protein forms T489I.
Identifiers: ClinVar variation 3685139 (VCV003685139.2).
Genomic context (GRCh38, chr12:64,720,136, plus strand): 5'-ATCATTAACCGATAGTTCATCTTTCCTAAAAGCTCTGGGTCTATGGTTTTAGCAATGTTA[G>A]TGATCTGGTCTGGGTCTGCAGTCAGATTATAGACTTCTACAAACACCTAGAGGACATGAA-3'
Protein context (NP_002067.1, residues 479-499): YNLTADPDQI[Thr489Ile]NIAKTIDPEL

ClinVar aggregate classification (germline): Uncertain significance (1 of 4 stars; one submission).

Conditions:
Mucopolysaccharidosis, MPS-III-D (MPS3D). Also called: N-ACETYLGLUCOSAMINE-6-SULFATASE DEFICIENCY; SANFILIPPO SYNDROME D; MPS III D; Mucopoly-saccharidosis type 3D; N-acetylglucosamine-6-sulfate sulfatase deficiency; MPS 3D. Identifiers: Orphanet 581, Orphanet 79272, MedGen C0086650, MONDO:0009658, OMIM 252940.

Submission:

Labcorp Genetics (formerly Invitae), Labcorp
Classification: Uncertain significance for Mucopolysaccharidosis, MPS-III-D. Last evaluated: 2025-01-05. Review status: criteria provided, single submitter. Criteria: Invitae Variant Classification Sherloc (09022015). Collection method: clinical testing. Allele origin: germline.
Comment: This sequence change replaces threonine, which is neutral and polar, with isoleucine, which is neutral and non-polar, at codon 489 of the GNS protein (p.Thr489Ile). This variant is not present in population databases (gnomAD no frequency). This variant has not been reported in the literature in individuals affected with GNS-related conditions. Invitae Evidence Modeling of protein sequence and biophysical properties (such as structural, functional, and spatial information, amino acid conservation, physicochemical variation, residue mobility, and thermodynamic stability) indicates that this missense variant is not expected to disrupt GNS protein function with a negative predictive value of 80%. In summary, the available evidence is currently insufficient to determine the role of this variant in disease. Therefore, it has been classified as a Variant of Uncertain Significance.